The following is an entry in ClinVar:

NM_001267550.2(TTN):c.33064C>T (p.Arg11022Ter)

Gene: TTN (titin; minus strand). Cytogenetic location: 2q31.2.
Variant type: single nucleotide variant.
Coding change: c.33064C>T on transcript NM_001267550.2 (MANE Select); coding-DNA position 33064, C replaced by T.
Protein change: p.Arg11022Ter; replaces arginine 11022 with a stop codon.
Molecular consequence: nonsense. On other transcripts: intron variant (3).
Genome position (GRCh38, 1-based): chr2:178,682,727, G>A on the plus strand (C>T on the coding strand, the complement: TTN is on the minus strand). VCF-style: chr2-178682727-G-A. GRCh37 (hg19) VCF-style: chr2-179547454-G-A.
Other names: c.32113C>T, p.Arg10705Ter (NM_001256850.1); c.29332C>T, p.Arg9778Ter (NM_133378.4); c.13283-40410C>T (NM_003319.4); c.13859-40410C>T (NM_133437.4); c.13658-40410C>T (NM_133432.3); short protein forms R9778*, R10705*, R11022*.
Identifiers: ClinVar variation 871241 (VCV000871241.44), dbSNP rs747806875, ClinGen allele CA349540964.
Genomic context (GRCh38, chr2:178,682,727, plus strand): 5'-GTGGTTTTGAGTTTGCAGTTTTGCTCATACCTGTGATGTATTCTTCATGCTCTTCATATC[G>A]TTCATACTCCCGCTCCTCGTATTCTTCATATTGGTCATATTCTTCTGTTGGTTCATACTC-3'

ClinVar aggregate classification (germline): Conflicting classifications of pathogenicity. Review status: criteria provided, conflicting classifications (1 of 4 stars). 2 submissions from 2 submitters: Likely pathogenic (1); Uncertain significance (1). Last evaluated 2025-01-02.

Conditions:
Dilated cardiomyopathy 1G (CMD1G). Identifiers: Orphanet 154, MedGen C1858763, MONDO:0011400, OMIM 604145.
Autosomal recessive limb-girdle muscular dystrophy type 2J (LGMDR10). Also called: MUSCULAR DYSTROPHY, LIMB-GIRDLE, AUTOSOMAL RECESSIVE 10; Limb-girdle muscular dystrophy, type 2J. Identifiers: Orphanet 140922, MedGen C1837342, MONDO:0012127, OMIM 608807.

Allele frequency attached by ClinVar (database versions not stated): 1000 Genomes Project 30x 0.00016.

Submissions (2):

Labcorp Genetics (formerly Invitae), Labcorp
Classification: Likely pathogenic for Dilated cardiomyopathy 1G; Autosomal recessive limb-girdle muscular dystrophy type 2J. Last evaluated: 2025-01-02. Review status: criteria provided, single submitter. Criteria: Invitae Variant Classification Sherloc (09022015). Collection method: clinical testing. Allele origin: germline.
Comment: This sequence change creates a premature translational stop signal (p.Arg11022*) in the TTN gene. While this is not anticipated to result in nonsense mediated decay, it is expected to create a truncated TTN protein. This variant is present in population databases (no rsID available, gnomAD 0.0009%). This premature translational stop signal has been observed in individual(s) with congenital myopathy (PMID: 33449170). This variant has been reported in individual(s) with left ventricular hypertrabeculation (PMID: 28798025); however, the role of the variant in this condition is currently unclear. This variant is also known as p.R9778X. ClinVar contains an entry for this variant (Variation ID: 871241). This variant is located in the I band of TTN (PMID: 25589632). Truncating variants in this region have been reported in individuals affected with autosomal recessive centronuclear myopathy (PMID: 23975875, internal data). Truncating variants in this region have also been identified in individuals affected with autosomal dominant dilated cardiomyopathy and/or cardio-related conditions (PMID: 27869827, 32964742, internal data). In summary, the currently available evidence indicates that the variant is pathogenic, but additional data are needed to prove that conclusively. Therefore, this variant has been classified as Likely Pathogenic.

CeGaT Center for Human Genetics Tuebingen
Classification: Uncertain significance. Last evaluated: 2020-01-01. Review status: criteria provided, single submitter. Criteria: CeGaT Center For Human Genetics Tuebingen Variant Classification Criteria Version 2. Collection method: clinical testing. Allele origin: germline. Affected: yes. Observed: 1 variant allele.

Literature cited by the submitters: PubMed 33449170 (cited by Labcorp Genetics (formerly Invitae), Labcorp); PubMed 28798025 (cited by Labcorp Genetics (formerly Invitae), Labcorp); PubMed 25589632 (cited by Labcorp Genetics (formerly Invitae), Labcorp); PubMed 23975875 (cited by Labcorp Genetics (formerly Invitae), Labcorp); PubMed 27869827 (cited by Labcorp Genetics (formerly Invitae), Labcorp); PubMed 32964742 (cited by Labcorp Genetics (formerly Invitae), Labcorp).